The following is an entry in ClinVar:

ClinVar aggregate classification (germline): Conflicting classifications of pathogenicity. Review status: criteria provided, conflicting classifications (1 of 4 stars). 7 submissions from 7 submitters: Uncertain significance (6); Likely benign (1). Last evaluated 2026-01-28.

Conditions:
Hereditary cancer-predisposing syndrome. Also called: Tumor predisposition; Hereditary neoplastic syndrome; Hereditary Cancer Syndrome; Neoplastic Syndromes, Hereditary. Identifiers: Orphanet 140162, MedGen C0027672, MeSH D009386, MONDO:0015356.
Hereditary breast ovarian cancer syndrome. Also called: Hereditary breast and ovarian cancer; Hereditary breast and/or ovarian cancer syndrome; BRCA1- and BRCA2-Associated Hereditary Breast and Ovarian Cancer; Hereditary breast and ovarian cancer syndrome (HBOC); Hereditary breast and ovarian cancer syndrome; Breast and ovarian cancer. Identifiers: Orphanet 145, MedGen C0677776, MeSH D061325, MONDO:0003582. Disease mechanism: loss of function.

Submissions (7):

Labcorp Genetics (formerly Invitae), Labcorp
Classification: Uncertain significance for Hereditary breast ovarian cancer syndrome. Last evaluated: 2026-01-28. Review status: criteria provided, single submitter. Criteria: Invitae Variant Classification Sherloc (09022015). Collection method: clinical testing. Allele origin: germline.
Comment: This sequence change replaces threonine, which is neutral and polar, with isoleucine, which is neutral and non-polar, at codon 1815 of the BRCA2 protein (p.Thr1815Ile). This variant is not present in population databases (gnomAD no frequency). This variant has not been reported in the literature in individuals affected with BRCA2-related conditions. ClinVar contains an entry for this variant (Variation ID: 141814). Invitae Evidence Modeling of protein sequence and biophysical properties (such as structural, functional, and spatial information, amino acid conservation, physicochemical variation, residue mobility, and thermodynamic stability) indicates that this missense variant is not expected to disrupt BRCA2 protein function with a negative predictive value of 95%. In summary, the available evidence is currently insufficient to determine the role of this variant in disease. Therefore, it has been classified as a Variant of Uncertain Significance.

Ambry Genetics
Classification: Uncertain significance for Hereditary cancer-predisposing syndrome. Last evaluated: 2025-11-08. Review status: criteria provided, single submitter. Criteria: Ambry Variant Classification Scheme 2023. Collection method: clinical testing. Allele origin: germline.
Comment: The p.T1815I variant (also known as c.5444C>T), located in coding exon 10 of the BRCA2 gene, results from a C to T substitution at nucleotide position 5444. The threonine at codon 1815 is replaced by isoleucine, an amino acid with similar properties. This amino acid position is not well conserved in available vertebrate species. In addition, this alteration is predicted to be tolerated by in silico analysis. Since supporting evidence is limited at this time, the clinical significance of this alteration remains unclear.

CeGaT Center for Human Genetics Tuebingen
Classification: Uncertain significance. Last evaluated: 2023-07-01. Review status: criteria provided, single submitter. Criteria: CeGaT Center For Human Genetics Tuebingen Variant Classification Criteria Version 2. Collection method: clinical testing. Allele origin: germline. Affected: yes. Observed: 1 variant allele.
Comment: BRCA2: PM2, BP4

Quest Diagnostics Nichols Institute San Juan Capistrano
Classification: Uncertain significance. Last evaluated: 2023-04-11. Review status: criteria provided, single submitter. Criteria: Quest Diagnostics criteria. Collection method: clinical testing. Allele origin: unknown.
Comment: It has not been reported in large, multi-ethnic general populations. However, it was observed in a cohort of cancer-free women over the age of 70 (FLOSSIES). In the large case-control study, the variant has been reported in an individual with breast cancer and not in any of the unaffected controls (PMID: 33471991 (2021)). Analysis of this variant using bioinformatics tools for the prediction of the effect of amino acid changes on protein structure and function yielded predictions that this variant is benign. Based on the available information, we are unable to determine the clinical significance of this variant.

University of Washington Department of Laboratory Medicine, University of Washington
Classification: Likely benign for Hereditary cancer-predisposing syndrome. Last evaluated: 2023-03-23. Review status: criteria provided, single submitter. Criteria: Dines et al. (Genet Med. 2020). Collection method: curation. Allele origin: germline.
Comment: Missense variant in a coldspot region where missense variants are very unlikely to be pathogenic (PMID:31911673).

BRCA2 exon 11 coldspot. Reclassification based on statistical prior probability.

GeneDx
Classification: Uncertain significance. Last evaluated: 2022-06-08. Review status: criteria provided, single submitter. Criteria: GeneDx Variant Classification Process June 2021. Collection method: clinical testing. Allele origin: germline. Affected: yes.
Comment: Not observed at significant frequency in large population cohorts (gnomAD); In silico analysis supports that this missense variant has a deleterious effect on protein structure/function; Has not been previously published as pathogenic or benign to our knowledge; Also known as 5662C>T

Color Diagnostics, LLC DBA Color Health
Classification: Uncertain significance for Hereditary cancer-predisposing syndrome. Last evaluated: 2021-04-15. Review status: criteria provided, single submitter. Criteria: ACMG Guidelines, 2015. Collection method: clinical testing. Allele origin: germline.
Comment: This missense variant replaces threonine with isoleucine at codon 1815 of the BRCA2 protein. Computational prediction suggests that this variant may not impact protein structure and function (internally defined REVEL score threshold <= 0.5, PMID: 27666373). To our knowledge, functional studies have not been reported for this variant. This variant has been reported in an individual affected with breast cancer (PMID: 33471991; Leiden Open Variation Database DB-ID BRCA2_008341). This variant has not been identified in the general population by the Genome Aggregation Database (gnomAD). The available evidence is insufficient to determine the role of this variant in disease conclusively. Therefore, this variant is classified as a Variant of Uncertain Significance.

Literature cited by the submitters: PubMed 31911673 (cited by Quest Diagnostics Nichols Institute San Juan Capistrano); PubMed 33471991 (cited by Quest Diagnostics Nichols Institute San Juan Capistrano).

NM_000059.4(BRCA2):c.5444C>T (p.Thr1815Ile)

Gene: BRCA2 (BRCA2 DNA repair associated; plus strand). Cytogenetic location: 13q13.1.
Variant type: single nucleotide variant.
Coding change: c.5444C>T on transcript NM_000059.4 (MANE Select); coding-DNA position 5444, C replaced by T.
Protein change: p.Thr1815Ile; replaces threonine 1815 with isoleucine.
Molecular consequence: missense variant.
Genome position (GRCh38, 1-based): chr13:32,339,799, C>T. VCF-style: chr13-32339799-C-T. GRCh37 (hg19) VCF-style: chr13-32913936-C-T.
Other names: short protein forms T1815I.
Identifiers: ClinVar variation 141814 (VCV000141814.41), dbSNP rs587782031, ClinGen allele CA022341.